The following is an entry in ClinVar:

NM_014974.3(DIP2C):c.918_919del (p.Gly307fs)

Gene: DIP2C (DIP2 acetate--CoA ligase C (putative); minus strand). Cytogenetic location: 10p15.3.
Variant type: Microsatellite.
Coding change: c.918_919del on transcript NM_014974.3 (MANE Select); coding-DNA positions 918 to 919, 2 bases deleted (CG; older notation c.918_919delCG).
Protein change: p.Gly307fs; shifts the reading frame from glycine 307.
Molecular consequence: frameshift variant.
Genome position (GRCh38, 1-based): chr10:414,051-414,052, CG deleted on the plus strand (CG on the coding strand, the reverse complement: DIP2C is on the minus strand); deleting any 2 consecutive bases within chr10:414,051-414,055 gives the same sequence; the c. name uses the placement nearest the transcript's 3' end. VCF-style (leftmost placement, unchanged base first): chr10-414050-CCG-C. GRCh37 (hg19) VCF-style: chr10-459990-CCG-C.
Other names: short protein forms G307fs.
Identifiers: ClinVar variation 5002824 (VCV005002824.1).

ClinVar aggregate classification (germline): Likely pathogenic (1 of 4 stars; one submission).

Submission:

OLLIN Analises Genomicas, OLLIN
Classification: Likely pathogenic. Last evaluated: 2026-08-06. Review status: criteria provided, single submitter. Criteria: ACMG Guidelines 2015 PMID 25741868. Collection method: clinical testing. Allele origin: germline.
Comment: This frameshift variant, located in exon 8 (of 37), has been observed in gnomAD with an allele frequency of 0.00012%, but has not been reported in ClinVar or identified in the literature. This variant causes a frameshift and introduces a premature stop codon, which is predicted to result in either a truncated protein or degradation of the mRNA via nonsense-mediated decay (NMD). According to the currently available evidence, this variant has been classified as likely pathogenic (PVS1, PM2_P).